The following is an entry in ClinVar:

ClinVar aggregate classification (germline): Likely benign. Review status: criteria provided, multiple submitters, no conflicts (2 of 4 stars). 3 submissions from 3 submitters: Likely benign (3). Last evaluated 2026-03-20.

Conditions:
Joubert syndrome 5 (JBTS5). Identifiers: Orphanet 2318, MedGen C1857780, MONDO:0012432, OMIM 610188.
Senior-Loken syndrome 6 (SLSN6). Identifiers: Orphanet 3156, MedGen C1857779, MONDO:0012433, OMIM 610189.
Leber congenital amaurosis 10 (LCA10). Identifiers: Orphanet 65, MedGen C1857821, MONDO:0012723, OMIM 611755.
Meckel syndrome, type 4 (MKS4). Also called: MECKEL-GRUBER SYNDROME, TYPE 4. Identifiers: Orphanet 564, MedGen C1970161, MONDO:0012626, OMIM 611134.
Bardet-Biedl syndrome 14 (BBS14). Identifiers: Orphanet 110, MedGen C2673874, MONDO:0014442, OMIM 615991.
CEP290-related disorder. Also called: CEP290-related disorders; CEP290-related condition. Identifiers: MedGen CN239314.
Joubert syndrome. Also called: Familial aplasia of the vermis; JOUBERT-BOLTSHAUSER SYNDROME. Identifiers: Orphanet 475, MedGen C5979921, MONDO:0018772.
Meckel-Gruber syndrome. Also called: Dysencephalia splachnocystica; DYSENCEPHALIA SPLANCHNOCYSTICA; GRUBER SYNDROME. Identifiers: Orphanet 564, MedGen C0265215, MONDO:0018921.
Nephronophthisis. Also called: Juvenile Nephronophthisis. Identifiers: Orphanet 655, MedGen C0687120, MONDO:0019005, HP:0000090.

Allele frequency attached by ClinVar (database versions not stated): gnomAD exomes below 0.00001; gnomAD 0.00001; TOPMed 0.00001; ESP Exome Variant Server 0.00009.
gnomAD v4.1: 2 of 1,449,826 alleles (0.00014%); highest among the groups gnomAD compares: Non-Finnish European, 0.00019%; no homozygotes.

Submissions (3):

PreventionGenetics, part of Exact Sciences
Classification: Likely benign for CEP290-related condition. Last evaluated: 2026-03-20. Review status: criteria provided, single submitter. Criteria: ACMG Guidelines, 2015. Collection method: clinical testing. Allele origin: germline.
Comment: This variant is classified as likely benign based on ACMG/AMP sequence variant interpretation guidelines (Richards et al. 2015 PMID: 25741868, with internal and published modifications).

Labcorp Genetics (formerly Invitae), Labcorp
Classification: Likely benign for Joubert syndrome; Meckel-Gruber syndrome; Nephronophthisis. Last evaluated: 2025-07-27. Review status: criteria provided, single submitter. Criteria: Invitae Variant Classification Sherloc (09022015). Collection method: clinical testing. Allele origin: germline.

Fulgent Genetics
Classification: Likely benign for Joubert syndrome 5; Senior-Loken syndrome 6; Meckel syndrome, type 4; Leber congenital amaurosis 10; Bardet-Biedl syndrome 14. Last evaluated: 2021-09-06. Review status: criteria provided, single submitter. Criteria: ACMG Guidelines, 2015. Collection method: clinical testing. Allele origin: unknown.

NM_025114.4(CEP290):c.2448T>C (p.Arg816=)

Gene: CEP290 (centrosomal protein 290; minus strand). Cytogenetic location: 12q21.32.
Variant type: single nucleotide variant.
Coding change: c.2448T>C on transcript NM_025114.4 (MANE Select); coding-DNA position 2448, T replaced by C.
Protein change: p.Arg816=; no amino-acid change (arginine 816 retained).
Molecular consequence: synonymous variant.
Genome position (GRCh38, 1-based): chr12:88,109,101, A>G on the plus strand (T>C on the coding strand, the complement: CEP290 is on the minus strand). VCF-style: chr12-88109101-A-G. GRCh37 (hg19) VCF-style: chr12-88502878-A-G.
Other names: c.2448T>C (NM_025114.3).
Identifiers: ClinVar variation 1557837 (VCV001557837.10), dbSNP rs371851348, ClinGen allele CA241149232.